The following is an entry in ClinVar:

NM_000812.4(GABRB1):c.136A>G (p.Lys46Glu)

Gene: GABRB1 (gamma-aminobutyric acid type A receptor subunit beta1; plus strand). Cytogenetic location: 4p12.
Variant type: single nucleotide variant.
Coding change: c.136A>G on transcript NM_000812.4 (MANE Select); coding-DNA position 136, A replaced by G.
Protein change: p.Lys46Glu; replaces lysine 46 with glutamic acid.
Molecular consequence: missense variant.
Genome position (GRCh38, 1-based): chr4:47,031,969, A>G. VCF-style: chr4-47031969-A-G. GRCh37 (hg19) VCF-style: chr4-47033986-A-G.
Other names: short protein forms K46E.
Identifiers: ClinVar variation 1461646 (VCV001461646.8), dbSNP rs775250287, ClinGen allele CA2907439.
Genomic context (GRCh38, chr4:47,031,969, plus strand): 5'-CTTAGCACCAATGAACCCAGCAACATGTCATACGTGAAAGAGACAGTGGACAGATTGCTC[A>G]AAGGATATGACATTCGCTTGCGGCCGGACTTCGGAGGTAACGCTTCATCTTTTTTCAACC-3'
Protein context (NP_000803.2, residues 36-56): YVKETVDRLL[Lys46Glu]GYDIRLRPDF

ClinVar aggregate classification (germline): Uncertain significance (1 of 4 stars; one submission).

Allele frequency attached by ClinVar (database versions not stated): ExAC 0.00001; gnomAD exomes 0.00001; TOPMed 0.00002; gnomAD 0.00003 and 0.00004.
gnomAD v4.1: 21 of 1,613,830 alleles (0.0013%); highest among the groups gnomAD compares: African/African-American, 0.0027%; no homozygotes.

Submission:

Labcorp Genetics (formerly Invitae), Labcorp
Classification: Uncertain significance. Last evaluated: 2025-11-12. Review status: criteria provided, single submitter. Criteria: Invitae Variant Classification Sherloc (09022015). Collection method: clinical testing. Allele origin: germline.
Comment: This sequence change replaces lysine, which is basic and polar, with glutamic acid, which is acidic and polar, at codon 46 of the GABRB1 protein (p.Lys46Glu). This variant is present in population databases (rs775250287, gnomAD 0.008%). This missense change has been observed in individual(s) with clinical features of developmental and epileptic encephalopathy (internal data). ClinVar contains an entry for this variant (Variation ID: 1461646). Invitae Evidence Modeling of protein sequence and biophysical properties (such as structural, functional, and spatial information, amino acid conservation, physicochemical variation, residue mobility, and thermodynamic stability) indicates that this missense variant is not expected to disrupt GABRB1 protein function with a negative predictive value of 80%. In summary, the available evidence is currently insufficient to determine the role of this variant in disease. Therefore, it has been classified as a Variant of Uncertain Significance.